The following is an entry in ClinVar:

ClinVar aggregate classification (germline): Benign (1 of 4 stars; one submission).

Allele frequency attached by ClinVar (database versions not stated): 1000 Genomes Project 30x 0.50250; 1000 Genomes Project 0.51058; TOPMed 0.55367; gnomAD 0.56493 and 0.56875.
gnomAD v4.1: 86,739 of 152,032 alleles (57%); highest among the groups gnomAD compares: Middle Eastern, 77%; 27,122 homozygotes.

Submission:

GeneDx
Classification: Benign. Last evaluated: 2018-06-14. Review status: criteria provided, single submitter. Criteria: GeneDx Variant Classification (06012015). Collection method: clinical testing. Allele origin: germline. Affected: yes.
Comment: This variant is considered likely benign or benign based on one or more of the following criteria: it is a conservative change, it occurs at a poorly conserved position in the protein, it is predicted to be benign by multiple in silico algorithms, and/or has population frequency not consistent with disease.

NM_001042492.3(NF1):c.1260+1859C>T

Gene: NF1 (neurofibromin 1; plus strand). Cytogenetic location: 17q11.2.
Variant type: single nucleotide variant.
Coding change: c.1260+1859C>T on transcript NM_001042492.3 (MANE Select); 1859 bases into the intron after coding-DNA position 1260, C replaced by T.
Molecular consequence: intron variant.
Genome position (GRCh38, 1-based): chr17:31,203,344, C>T. VCF-style: chr17-31203344-C-T. GRCh37 (hg19) VCF-style: chr17-29530362-C-T.
Other names: c.1260+1859C>T (NM_000267.4, NM_001128147.3).
Identifiers: ClinVar variation 561758 (VCV000561758.1), dbSNP rs1013947, ClinGen allele CA289350588.